The following is an entry in ClinVar:

NM_001164508.2(NEB):c.21108del (p.Lys7036fs)

Gene: NEB (nebulin; minus strand). Cytogenetic location: 2q23.3.
Variant type: Deletion.
Coding change: c.21108del on transcript NM_001164508.2 (MANE Select); coding-DNA position 21108, one base deleted (A; older notation c.21108delA).
Protein change: p.Lys7036fs; shifts the reading frame from lysine 7036.
Molecular consequence: frameshift variant.
Genome position (GRCh38, 1-based): chr2:151,537,231, T deleted on the plus strand (A on the coding strand, the reverse complement: NEB is on the minus strand); the first of 4 consecutive T bases (chr2:151,537,231-151,537,234); deleting any one gives the same sequence. VCF-style (leftmost placement, unchanged base first): chr2-151537230-AT-A. GRCh37 (hg19) VCF-style: chr2-152393744-AT-A.
Other names: c.21108del, p.Lys7036fs (NM_001164507.2, NM_001271208.2); c.16005del, p.Lys5335fs (NM_004543.5); short protein forms K7036fs, K5335fs.
Identifiers: ClinVar variation 2695325 (VCV002695325.4), dbSNP rs2552149562, ClinGen allele CA2697551068.
Genomic context (GRCh38, chr2:151,537,230, plus strand): 5'-AATCAGGGGTATCATAGGCATAGCAACCAATGCCTTTAAGCCAAGTCAAGTCTTCTTTAT[AT>A]TTTACCTGGGAGAAGAAGAACATCAAAGAGTTCTAAGAAGCCATCTCCAAACAGCAATAA-3'

ClinVar aggregate classification (germline): Pathogenic. Review status: criteria provided, multiple submitters, no conflicts (2 of 4 stars). 2 submissions from 2 submitters: Pathogenic (2). Last evaluated 2025-11-23.

Conditions:
Nemaline myopathy 2 (NEM2). Also called: Nemaline myopathy 2, autosomal recessive. Identifiers: MedGen C1850569, MONDO:0009725, OMIM 256030.

Submissions (2):

Myriad Genetics, Inc.
Classification: Pathogenic for Nemaline myopathy 2. Last evaluated: 2025-11-23. Review status: criteria provided, single submitter. Criteria: Myriad Autosomal Dominant, Autosomal Recessive and X-Linked Classification Criteria (2023). Collection method: clinical testing. Allele origin: unknown.
Comment: NM_001271208.1(NEB):c.21108delA(K7036Nfs*6) is expected to be pathogenic in the context of NEB-related nemaline myopathy. This variant is predicted to lead to an abnormal or absent protein product due to the creation of a premature termination codon in NEB, a gene where loss-of-function variants are known to be pathogenic. Please note: this variant was assessed in the context of healthy population screening.

Labcorp Genetics (formerly Invitae), Labcorp
Classification: Pathogenic for Nemaline myopathy 2. Last evaluated: 2025-11-12. Review status: criteria provided, single submitter. Criteria: Invitae Variant Classification Sherloc (09022015). Collection method: clinical testing. Allele origin: germline.
Comment: This sequence change creates a premature translational stop signal (p.Lys7036Asnfs*6) in the NEB gene. It is expected to result in an absent or disrupted protein product. Loss-of-function variants in NEB are known to be pathogenic (PMID: 25205138). This variant is not present in population databases (gnomAD no frequency). This variant has not been reported in the literature in individuals affected with NEB-related conditions. ClinVar contains an entry for this variant (Variation ID: 2695325). For these reasons, this variant has been classified as Pathogenic.

Literature cited by the submitters: PubMed 25205138 (cited by Labcorp Genetics (formerly Invitae), Labcorp).